The following is an entry in ClinVar:

ClinVar aggregate classification (germline): Uncertain significance (1 of 4 stars; one submission).

Conditions:
Developmental delay, behavioral abnormalities, and neuropsychiatric disorders (DEDBANP). Identifiers: MedGen C5774224, MONDO:0859292, OMIM 620065.

Submission:

Laboratorio de Genetica e Diagnostico Molecular, Hospital Israelita Albert Einstein
Classification: Uncertain significance for Developmental delay, behavioral abnormalities, and neuropsychiatric disorders. Last evaluated: 2025-01-17. Review status: criteria provided, single submitter. Criteria: ACMG Guidelines, 2015. Collection method: clinical testing. Allele origin: germline. Affected: yes.
Comment: ACMG classification criteria: PM2 supporting, PP2 supporting

NM_014921.5(ADGRL1):c.1588C>T (p.Pro530Ser)

Genes: ADGRL1 (adhesion G protein-coupled receptor L1; minus strand), ADGRL1-AS1 (ADGRL1 antisense RNA 1; plus strand). Cytogenetic location: 19p13.12.
Variant type: single nucleotide variant.
Coding change: c.1588C>T on transcript NM_014921.5 (MANE Select); coding-DNA position 1588, C replaced by T.
Protein change: p.Pro530Ser; replaces proline 530 with serine.
Molecular consequence: missense variant.
Genome position (GRCh38, 1-based): chr19:14,160,619, G>A on the plus strand (C>T on the coding strand, the complement: ADGRL1 is on the minus strand). VCF-style: chr19-14160619-G-A. GRCh37 (hg19) VCF-style: chr19-14271431-G-A.
Other names: c.1603C>T, p.Pro535Ser (NM_001008701.3); short protein forms P530S, P535S.
Identifiers: ClinVar variation 3901055 (VCV003901055.1).
Genomic context (GRCh38, chr19:14,160,619, plus strand): 5'-CATGTGCCTGCCTGCGAGGGGTGGTGGCTGGTACCTTCTGGGCCACCTGGTTGACCCAGG[G>A]GGAGGTGCAGTTGCTGAGGTCAGGGCCCCGGGGGTTCCAGAGCCCCAAGGCTGGTAGACA-3'
Protein context (NP_055736.2, residues 520-540): RGPDLSNCTS[Pro530Ser]WVNQVAQKIK